The following is an entry in ClinVar:

NM_000070.3(CAPN3):c.1310G>T (p.Arg437Leu)

Gene: CAPN3 (calpain 3; plus strand). Cytogenetic location: 15q15.1.
Variant type: single nucleotide variant.
Coding change: c.1310G>T on transcript NM_000070.3 (MANE Select); coding-DNA position 1310, G replaced by T.
Protein change: p.Arg437Leu; replaces arginine 437 with leucine.
Molecular consequence: missense variant.
Genome position (GRCh38, 1-based): chr15:42,399,608, G>T. VCF-style: chr15-42399608-G-T. GRCh37 (hg19) VCF-style: chr15-42691806-G-T.
Other names: c.1310G>T, p.Arg437Leu (NM_024344.2); c.1166G>T, p.Arg389Leu (NM_173087.2); c.1049G>T, p.Arg350Leu (NM_212464.2); c.*1003G>T (NM_212467.2); short protein forms R350L, R437L, R389L.
Identifiers: ClinVar variation 1950284 (VCV001950284.2), dbSNP rs1273129397, ClinGen allele CA391999563.

ClinVar aggregate classification (germline): Uncertain significance (1 of 4 stars; one submission).

Conditions:
Autosomal recessive limb-girdle muscular dystrophy type 2A (LGMDR1). Also called: Muscular dystrophy, limb-girdle, type 2A, Amish; LEYDEN-MOEBIUS MUSCULAR DYSTROPHY; MUSCULAR DYSTROPHY, PELVOFEMORAL; Limb-girdle muscular dystrophy, type 2A; Calpainopathy. Identifiers: Orphanet 267, MedGen C1869123, MONDO:0009675, OMIM 253600. Disease mechanism: loss of function.

gnomAD v4.1: 3 of 1,612,886 alleles (0.00019%); highest among the groups gnomAD compares: Non-Finnish European, 0.00025%; no homozygotes.

Submission:

Labcorp Genetics (formerly Invitae), Labcorp
Classification: Uncertain significance for Autosomal recessive limb-girdle muscular dystrophy type 2A. Last evaluated: 2022-02-28. Review status: criteria provided, single submitter. Criteria: Invitae Variant Classification Sherloc (09022015). Collection method: clinical testing. Allele origin: germline.
Comment: This sequence change replaces arginine, which is basic and polar, with leucine, which is neutral and non-polar, at codon 437 of the CAPN3 protein (p.Arg437Leu). This variant is not present in population databases (gnomAD no frequency). This variant has not been reported in the literature in individuals affected with CAPN3-related conditions. Algorithms developed to predict the effect of missense changes on protein structure and function (SIFT, PolyPhen-2, Align-GVGD) all suggest that this variant is likely to be disruptive. This variant disrupts the p.Arg437 amino acid residue in CAPN3. Other variant(s) that disrupt this residue have been determined to be pathogenic (PMID: 10330340, 15221789, 16141003, 18563459, 18854869, 20044116, 26404900, 27081656). This suggests that this residue is clinically significant, and that variants that disrupt this residue are likely to be disease-causing. In summary, the available evidence is currently insufficient to determine the role of this variant in disease. Therefore, it has been classified as a Variant of Uncertain Significance.

Literature cited by the submitters: PubMed 10330340; PubMed 15221789; PubMed 16141003; PubMed 18563459; PubMed 18854869; PubMed 20044116; PubMed 26404900; PubMed 27081656.